The following is an entry in ClinVar:

NM_001278116.2(L1CAM):c.3242A>G (p.Gln1081Arg)

Gene: L1CAM (L1 cell adhesion molecule; minus strand). Cytogenetic location: Xq28.
Variant type: single nucleotide variant.
Coding change: c.3242A>G on transcript NM_001278116.2 (MANE Select); coding-DNA position 3242, A replaced by G.
Protein change: p.Gln1081Arg; replaces glutamine 1081 with arginine.
Molecular consequence: missense variant.
Genome position (GRCh38, 1-based): chrX:153,864,402, T>C on the plus strand (A>G on the coding strand, the complement: L1CAM is on the minus strand). VCF-style: chrX-153864402-T-C. GRCh37 (hg19) VCF-style: chrX-153129857-T-C.
Other names: c.3242A>G, p.Gln1081Arg (NM_000425.5, NM_024003.3); c.3227A>G, p.Gln1076Arg (NM_001143963.2); short protein forms Q1076R, Q1081R.
Identifiers: ClinVar variation 4799286 (VCV004799286.1).

ClinVar aggregate classification (germline): Uncertain significance (1 of 4 stars; one submission).

Conditions:
Spastic paraplegia. Identifiers: MedGen C0037772, HP:0001258.

Submission:

Labcorp Genetics (formerly Invitae), Labcorp
Classification: Uncertain significance for Spastic paraplegia. Last evaluated: 2026-01-12. Review status: criteria provided, single submitter. Criteria: Invitae Variant Classification Sherloc (09022015). Collection method: clinical testing. Allele origin: germline.
Comment: This sequence change replaces glutamine, which is neutral and polar, with arginine, which is basic and polar, at codon 1081 of the L1CAM protein (p.Gln1081Arg). This variant is not present in population databases (gnomAD no frequency). This variant has not been reported in the literature in individuals affected with L1CAM-related conditions. Invitae Evidence Modeling of protein sequence and biophysical properties (such as structural, functional, and spatial information, amino acid conservation, physicochemical variation, residue mobility, and thermodynamic stability) indicates that this missense variant is not expected to disrupt L1CAM protein function with a negative predictive value of 95%. In summary, the available evidence is currently insufficient to determine the role of this variant in disease. Therefore, it has been classified as a Variant of Uncertain Significance.